The following is an entry in ClinVar:

ClinVar aggregate classification (germline): Uncertain significance (1 of 4 stars; one submission).

Allele frequency attached by ClinVar (database versions not stated): gnomAD 0.00001; TOPMed 0.00003; ExAC 0.00004; gnomAD exomes below 0.00001.

Submission:

Labcorp Genetics (formerly Invitae), Labcorp
Classification: Uncertain significance. Last evaluated: 2025-12-29. Review status: criteria provided, single submitter. Criteria: Invitae Variant Classification Sherloc (09022015). Collection method: clinical testing. Allele origin: germline.
Comment: This sequence change replaces proline, which is neutral and non-polar, with arginine, which is basic and polar, at codon 59 of the TFRC protein (p.Pro59Arg). This variant is present in population databases (rs777738270, gnomAD 0.04%). This variant has not been reported in the literature in individuals affected with TFRC-related conditions. ClinVar contains an entry for this variant (Variation ID: 3010235). An algorithm developed to predict the effect of missense changes on protein structure and function outputs the following: PolyPhen-2: "Benign". The arginine amino acid residue is found in multiple mammalian species, which suggests that this missense change does not adversely affect protein function. In summary, the available evidence is currently insufficient to determine the role of this variant in disease. Therefore, it has been classified as a Variant of Uncertain Significance.

NM_001128148.3(TFRC):c.176C>G (p.Pro59Arg)

Gene: TFRC (transferrin receptor; minus strand). Cytogenetic location: 3q29.
Variant type: single nucleotide variant.
Coding change: c.176C>G on transcript NM_001128148.3 (MANE Select); coding-DNA position 176, C replaced by G.
Protein change: p.Pro59Arg; replaces proline 59 with arginine.
Molecular consequence: missense variant. On other transcripts: intron variant (2).
Genome position (GRCh38, 1-based): chr3:196,075,221, G>C on the plus strand (C>G on the coding strand, the complement: TFRC is on the minus strand). VCF-style: chr3-196075221-G-C. GRCh37 (hg19) VCF-style: chr3-195802092-G-C.
Other names: c.176C>G, p.Pro59Arg (NM_003234.4); c.-413+1843C>G (NM_001313966.2); c.-5-1096C>G (NM_001313965.2); short protein forms P59R.
Identifiers: ClinVar variation 3010235 (VCV003010235.3), dbSNP rs777738270, ClinGen allele CA2778384.
Genomic context (GRCh38, chr3:196,075,221, plus strand): 5'-ATCAAGAAAAAGACGATCACAGCAATAGTCCCATAGCAGATACTTCCACTACACCTTTTT[G>C]GTTTTGTGACATTGGCCTTTGTGTTATTGTCAGCATTTTCTTCTTCATCTACAGCAAGTT-3'
Protein context (NP_001121620.1, residues 49-69): DNNTKANVTK[Pro59Arg]KRCSGSICYG